The following is an entry in ClinVar:

NM_213599.3(ANO5):c.2556G>A (p.Trp852Ter)

Gene: ANO5 (anoctamin 5; plus strand). Cytogenetic location: 11p14.3.
Variant type: single nucleotide variant.
Coding change: c.2556G>A on transcript NM_213599.3 (MANE Select); coding-DNA position 2556, G replaced by A.
Protein change: p.Trp852Ter; replaces tryptophan 852 with a stop codon.
Molecular consequence: nonsense.
Genome position (GRCh38, 1-based): chr11:22,279,579, G>A. VCF-style: chr11-22279579-G-A. GRCh37 (hg19) VCF-style: chr11-22301125-G-A.
Other names: c.2553G>A, p.Trp851Ter (NM_001142649.2); c.2514G>A, p.Trp838Ter (NM_001410963.1); c.2511G>A, p.Trp837Ter (NM_001410964.1); c.2478G>A, p.Trp826Ter (NM_001441294.1); c.2475G>A, p.Trp825Ter (NM_001441295.1); c.2463G>A, p.Trp821Ter (NM_001441296.1); c.2436G>A, p.Trp812Ter (NM_001441297.1); c.2400G>A, p.Trp800Ter (NM_001441298.1); and 4 more; short protein forms W690*, W706*, W707*, W799*, W800*, W812*, W821*, W825*.
Identifiers: ClinVar variation 4823834 (VCV004823834.4).

ClinVar aggregate classification (germline): Uncertain significance (1 of 4 stars; one submission).

Submission:

CeGaT Center for Human Genetics Tuebingen
Classification: Uncertain significance. Last evaluated: 2026-01-01. Review status: criteria provided, single submitter. Criteria: CeGaT Center For Human Genetics Tuebingen Variant Classification Criteria Version 2. Collection method: clinical testing. Allele origin: germline. Affected: yes. Observed: 1 variant allele.
Comment: ANO5: PM2, PVS1:Moderate, PM3:Supporting